The following is an entry in ClinVar:

NM_138383.3(MTSS2):c.2157G>A (p.Pro719=)

Gene: MTSS2 (MTSS I-BAR domain containing 2; minus strand). Cytogenetic location: 16q22.1.
Variant type: single nucleotide variant.
Coding change: c.2157G>A on transcript NM_138383.3 (MANE Select); coding-DNA position 2157, G replaced by A.
Protein change: p.Pro719=; no amino-acid change (proline 719 retained).
Molecular consequence: synonymous variant.
Genome position (GRCh38, 1-based): chr16:70,663,764, C>T on the plus strand (G>A on the coding strand, the complement: MTSS2 is on the minus strand). VCF-style: chr16-70663764-C-T. GRCh37 (hg19) VCF-style: chr16-70697667-C-T.
Identifiers: ClinVar variation 4533644 (VCV004533644.6).

ClinVar aggregate classification (germline): Likely benign (1 of 4 stars; one submission).

Submission:

CeGaT Center for Human Genetics Tuebingen
Classification: Likely benign. Last evaluated: 2025-10-01. Review status: criteria provided, single submitter. Criteria: CeGaT Center For Human Genetics Tuebingen Variant Classification Criteria Version 2. Collection method: clinical testing. Allele origin: germline. Affected: yes. Observed: 1 variant allele.
Comment: MTSS2: BP4, BP7